The following is an entry in ClinVar:

NM_001127222.2(CACNA1A):c.173_175del (p.Thr58del)

Gene: CACNA1A (calcium voltage-gated channel subunit alpha1 A; minus strand). Cytogenetic location: 19p13.13.
Variant type: Deletion.
Coding change: c.173_175del on transcript NM_001127222.2 (MANE Select); coding-DNA positions 173 to 175, 3 bases deleted (CCA; older notation c.173_175delCCA).
Protein change: p.Thr58del; deletes threonine 58.
Molecular consequence: inframe deletion.
Genome position (GRCh38, 1-based): chr19:13,506,050-13,506,052, TGG deleted on the plus strand (CCA on the coding strand, the reverse complement: CACNA1A is on the minus strand); deleting any 3 consecutive bases within chr19:13,506,050-13,506,053 gives the same sequence; the c. name uses the placement nearest the transcript's 3' end. VCF-style (leftmost placement, unchanged base first): chr19-13506049-ATGG-A. GRCh37 (hg19) VCF-style: chr19-13616863-ATGG-A.
Other names: c.173_175delCCA (NM_001127221.1); c.173_175del, p.Thr58del (NM_000068.4, NM_001127221.2, NM_001174080.2 and 1 more transcripts); short protein forms T58del.
Identifiers: ClinVar variation 422463 (VCV000422463.4), dbSNP rs1064795796, ClinGen allele CA16620802.

ClinVar aggregate classification (germline): Uncertain significance (1 of 4 stars; one submission).

Submission:

GeneDx
Classification: Uncertain significance. Last evaluated: 2020-09-24. Review status: criteria provided, single submitter. Criteria: GeneDx Variant Classification Process June 2021. Collection method: clinical testing. Allele origin: germline. Affected: yes.
Comment: Not observed in large population cohorts (Lek et al., 2016); In silico analysis, which includes protein predictors and evolutionary conservation, supports a deleterious effect; Has not been previously published as pathogenic or benign to our knowledge; In-frame deletion of 1 amino acids in a non-repeat region